The following is an entry in ClinVar:

ClinVar aggregate classification (germline): Uncertain significance (1 of 4 stars; one submission).

Conditions:
Glycogen storage disease type III (GSD3). Also called: Cori disease; FORBES DISEASE. Identifiers: Orphanet 366, MedGen C0017922, MONDO:0009291, OMIM 232400.

Submission:

Labcorp Genetics (formerly Invitae), Labcorp
Classification: Uncertain significance for Glycogen storage disease type III. Last evaluated: 2025-08-04. Review status: criteria provided, single submitter. Criteria: Invitae Variant Classification Sherloc (09022015). Collection method: clinical testing. Allele origin: germline.
Comment: This sequence change replaces aspartic acid, which is acidic and polar, with asparagine, which is neutral and polar, at codon 1261 of the AGL protein (p.Asp1261Asn). This variant is not present in population databases (gnomAD no frequency). This missense change has been observed in individual(s) with glycogen storage disease (internal data). In at least one individual the data is consistent with being in trans (on the opposite chromosome) from a pathogenic variant. ClinVar contains an entry for this variant (Variation ID: 1495999). Invitae Evidence Modeling of protein sequence and biophysical properties (such as structural, functional, and spatial information, amino acid conservation, physicochemical variation, residue mobility, and thermodynamic stability) indicates that this missense variant is not expected to disrupt AGL protein function with a negative predictive value of 80%. In summary, the available evidence is currently insufficient to determine the role of this variant in disease. Therefore, it has been classified as a Variant of Uncertain Significance.

NM_000642.3(AGL):c.3781G>A (p.Asp1261Asn)

Gene: AGL (amylo-alpha-1,6-glucosidase and 4-alpha-glucanotransferase; plus strand). Cytogenetic location: 1p21.2.
Variant type: single nucleotide variant.
Coding change: c.3781G>A on transcript NM_000642.3 (MANE Select); coding-DNA position 3781, G replaced by A.
Protein change: p.Asp1261Asn; replaces aspartic acid 1261 with asparagine.
Molecular consequence: missense variant.
Genome position (GRCh38, 1-based): chr1:99,910,792, G>A. VCF-style: chr1-99910792-G-A. GRCh37 (hg19) VCF-style: chr1-100376348-G-A.
Other names: c.3781G>A, p.Asp1261Asn (NM_001425325.1, NM_000028.3, NM_000643.3 and 1 more transcripts); c.3760G>A, p.Asp1254Asn (NM_001425326.1); c.3580G>A, p.Asp1194Asn (NM_001425327.1); c.3577G>A, p.Asp1193Asn (NM_001425328.1); c.3442G>A, p.Asp1148Asn (NM_001425329.1); c.3403G>A, p.Asp1135Asn (NM_001425332.1); c.3733G>A, p.Asp1245Asn (NM_000646.3); short protein forms D1245N, D1261N, D1135N, D1148N, D1193N, D1194N, D1254N.
Identifiers: ClinVar variation 1495999 (VCV001495999.8), dbSNP rs2100849278, ClinGen allele CA341337815.